The following is an entry in ClinVar:

NM_017739.4(POMGNT1):c.1006_1007dup (p.Ile337fs)

Genes: POMGNT1 (protein O-linked mannose N-acetylglucosaminyltransferase 1 (beta 1,2-); minus strand), TSPAN1 (tetraspanin 1; plus strand). Cytogenetic location: 1p34.1.
Variant type: Duplication.
Coding change: c.1006_1007dup on transcript NM_017739.4 (MANE Select); coding-DNA positions 1006 to 1007, 2 bases duplicated (TT; older notation c.1006_1007dupTT).
Protein change: p.Ile337fs; shifts the reading frame from isoleucine 337.
Molecular consequence: frameshift variant.
Genome position (GRCh38, 1-based): chr1:46,193,583-46,193,584, AA duplicated on the plus strand (TT on the coding strand, the reverse complement: POMGNT1 is on the minus strand); duplicating any 2 consecutive bases within chr1:46,193,583-46,193,586 gives the same sequence; the c. name uses the placement nearest the transcript's 3' end. VCF-style (leftmost placement, unchanged base first): chr1-46193582-G-GAA. GRCh37 (hg19) VCF-style: chr1-46659254-G-GAA.
Other names: c.1006_1007dup, p.Ile337fs (NM_001243766.2, NM_001410783.1); c.938_939dup, p.Ile315Serfs (NM_001290129.3); c.577_578dup, p.Ile194fs (NM_001290130.2); short protein forms I194fs, I315fs, I337fs.
Identifiers: ClinVar variation 1725128 (VCV001725128.2), dbSNP rs2525411153, ClinGen allele CA2580062949.
Genomic context (GRCh38, chr1:46,193,582, plus strand): 5'-CATGTTGTACTCCACCCGAGGCACCCCCCAAGTCCTGCTCACCTCATAGTAGCCGTCAAT[G>GAA]AAAACTGTTATCATCTGAGGAGACACCCCCTGGGCTGAAAGCAGAGAGCGCAGCATCCTG-3'

ClinVar aggregate classification (germline): Likely pathogenic (1 of 4 stars; one submission).

Conditions:
Muscular dystrophy-dystroglycanopathy (congenital with brain and eye anomalies), type A3. Also called: Muscular dystrophy-dystroglycanopathy (congenital with brain and eye anomalies), type A, 3; Congenital muscular dystrophy-dystroglycanopathy with brain and eye anomalies, type A3; WALKER-WARBURG SYNDROME OR MUSCLE-EYE-BRAIN DISEASE, POMGNT1-RELATED. Identifiers: MedGen C3151519, MONDO:0009667, OMIM 253280.

Submission:

Myriad Genetics, Inc.
Classification: Likely pathogenic for Muscular dystrophy-dystroglycanopathy (congenital with brain and eye anomalies), type A3. Last evaluated: 2021-12-01. Review status: criteria provided, single submitter. Criteria: Myriad Women's Health Autosomal Recessive and X-Linked Classification Criteria (2021). Collection method: clinical testing. Allele origin: unknown.
Comment: NM_017739.3(POMGNT1):c.1006_1007dupTT(I337Sfs*18) is expected to be pathogenic in the context of POMGNT-related disorders. This variant is predicted to lead to an abnormal or absent protein product due to the creation of a premature termination codon in POMGNT1, a gene where loss-of-function variants are known to be pathogenic. Please note: this variant was assessed in the context of healthy population screening.